The following is an entry in ClinVar:

ClinVar aggregate classification (germline): Uncertain significance. Review status: criteria provided, multiple submitters, no conflicts (2 of 4 stars). 3 submissions from 3 submitters: Uncertain significance (3). Last evaluated 2025-03-06.

Conditions:
Lynch syndrome. Identifiers: Orphanet 144, MedGen C4552100, MONDO:0005835. Disease mechanism: loss of function.
Hereditary cancer-predisposing syndrome. Also called: Tumor predisposition; Hereditary neoplastic syndrome; Hereditary Cancer Syndrome; Neoplastic Syndromes, Hereditary. Identifiers: Orphanet 140162, MedGen C0027672, MeSH D009386, MONDO:0015356.

Allele frequency attached by ClinVar (database versions not stated): gnomAD exomes below 0.00001.
gnomAD v4.1: 1 of 1,613,578 alleles (0.000062%); highest among the groups gnomAD compares: Non-Finnish European, 0.000085%; no homozygotes.

Submissions (3):

Ambry Genetics
Classification: Uncertain significance for Hereditary cancer-predisposing syndrome. Last evaluated: 2025-03-06. Review status: criteria provided, single submitter. Criteria: Ambry Variant Classification Scheme 2023. Collection method: clinical testing. Allele origin: germline.
Comment: The p.P202L variant (also known as c.605C>T), located in coding exon 3 of the MSH6 gene, results from a C to T substitution at nucleotide position 605. The proline at codon 202 is replaced by leucine, an amino acid with similar properties. This amino acid position is conserved. In addition, this alteration is predicted to be tolerated by in silico analysis. Based on the available evidence, the clinical significance of this variant remains unclear.

Color Diagnostics, LLC DBA Color Health
Classification: Uncertain significance for Hereditary cancer-predisposing syndrome. Last evaluated: 2024-03-06. Review status: criteria provided, single submitter. Criteria: ACMG Guidelines, 2015. Collection method: clinical testing. Allele origin: germline.
Comment: This missense variant replaces proline with leucine at codon 202 of the MSH6 protein. Computational prediction suggests that this variant may not impact protein structure and function (internally defined REVEL score threshold <= 0.5, PMID: 27666373). To our knowledge, functional studies have not been reported for this variant. This variant has not been reported in individuals affected with hereditary cancer in the literature. This variant has not been identified in the general population by the Genome Aggregation Database (gnomAD). The available evidence is insufficient to determine the role of this variant in disease conclusively. Therefore, this variant is classified as a Variant of Uncertain Significance.

All of Us Research Program, National Institutes of Health
Classification: Uncertain significance for Lynch syndrome. Last evaluated: 2023-11-30. Review status: criteria provided, single submitter. Criteria: ACMG Guidelines, 2015. Collection method: clinical testing. Allele origin: germline. Inheritance: Autosomal dominant inheritance. Observed: 1 variant allele, 1 heterozygote.
Comment: This missense variant replaces proline with leucine at codon 202 of the MSH6 protein. Computational prediction suggests that this variant may not impact protein structure and function (internally defined REVEL score threshold <= 0.5, PMID: 27666373). To our knowledge, functional studies have not been reported for this variant. This variant has not been reported in individuals affected with hereditary cancer in the literature. This variant has not been identified in the general population by the Genome Aggregation Database (gnomAD). The available evidence is insufficient to determine the role of this variant in disease conclusively. Therefore, this variant is classified as a Variant of Uncertain Significance.

This study involves interpretation of variants in research participants for the purpose of population health screening. Participant phenotype was not available at the time of variant classification. Additional details can be found in publication PMID: 35346344, PMCID: PMC8962531

NM_000179.3(MSH6):c.605C>T (p.Pro202Leu)

Gene: MSH6 (mutS homolog 6; plus strand). Cytogenetic location: 2p16.3.
Variant type: single nucleotide variant.
Coding change: c.605C>T on transcript NM_000179.3 (MANE Select); coding-DNA position 605, C replaced by T.
Protein change: p.Pro202Leu; replaces proline 202 with leucine.
Molecular consequence: missense variant. On other transcripts: 5 prime UTR variant (1), intron variant (2).
Genome position (GRCh38, 1-based): chr2:47,796,041, C>T. VCF-style: chr2-47796041-C-T. GRCh37 (hg19) VCF-style: chr2-48023180-C-T.
Other names: c.-298C>T (NM_001281494.2); c.-279-2570C>T (NM_001281493.2); c.238-2570C>T (NM_001281492.2); short protein forms P202L.
Identifiers: ClinVar variation 1171748 (VCV001171748.6), dbSNP rs367644746, ClinGen allele CA346738864.
Genomic context (GRCh38, chr2:47,796,041, plus strand): 5'-CCTTAAATAAAGACAAGATTAAGAGGCTTGAATTGGCAGTTTGTGATGAGCCCTCAGAGC[C>T]AGAAGAGGAAGAAGAGATGGAGGTGGGACACGGCAAGCATTCAGTTGTTATTTATGTTAG-3'
Protein context (NP_000170.1, residues 192-212): ELAVCDEPSE[Pro202Leu]EEEEEMEVGT